The following is an entry in ClinVar:

ClinVar aggregate classification (germline): Benign (3 of 4 stars; one submission).

Conditions:
Breast-ovarian cancer, familial, susceptibility to, 2 (BROVCA2). Also called: BRCA2 Hereditary Breast and Ovarian Cancer. Identifiers: Orphanet 145, MedGen C2675520, MONDO:0012933, OMIM 612555. Disease mechanism: loss of function.

Allele frequency attached by ClinVar (database versions not stated): TOPMed 0.00166; gnomAD 0.00170 and 0.00173; 1000 Genomes Project 30x 0.00422; 1000 Genomes Project 0.00439.
gnomAD v4.1: 255 of 152,262 alleles (0.17%); highest among the groups gnomAD compares: African/African-American, 0.6%; 1 homozygote.

Submission:

Evidence-based Network for the Interpretation of Germline Mutant Alleles (ENIGMA)
Classification: Benign for Breast-ovarian cancer, familial 2. Last evaluated: 2015-01-12. Review status: reviewed by expert panel. Criteria: ENIGMA BRCA1/2 Classification Criteria (2015). Collection method: curation. Allele origin: germline.
Comment: Class 1 not pathogenic based on frequency >1% in an outbred sampleset. Frequency 0.01423 (African), derived from 1000 genomes (2012-04-30).

NM_000059.4(BRCA2):c.1910-542T>C

Gene: BRCA2 (BRCA2 DNA repair associated; plus strand). Cytogenetic location: 13q13.1.
Variant type: single nucleotide variant.
Coding change: c.1910-542T>C on transcript NM_000059.4 (MANE Select); 542 bases into the intron before coding-DNA position 1910, T replaced by C.
Molecular consequence: intron variant.
Genome position (GRCh38, 1-based): chr13:32,335,723, T>C. VCF-style: chr13-32335723-T-C. GRCh37 (hg19) VCF-style: chr13-32909860-T-C.
Other names: IVS 10-542T>C.
Identifiers: ClinVar variation 209683 (VCV000209683.1), dbSNP rs150391946, ClinGen allele CA276652.